The following is an entry in ClinVar:

NM_004415.4(DSP):c.7039A>G (p.Ile2347Val)

Gene: DSP (desmoplakin; plus strand). Cytogenetic location: 6p24.3.
Variant type: single nucleotide variant.
Coding change: c.7039A>G on transcript NM_004415.4 (MANE Select); coding-DNA position 7039, A replaced by G.
Protein change: p.Ile2347Val; replaces isoleucine 2347 with valine.
Molecular consequence: missense variant.
Genome position (GRCh38, 1-based): chr6:7,584,301, A>G. VCF-style: chr6-7584301-A-G. GRCh37 (hg19) VCF-style: chr6-7584534-A-G.
Other names: c.5242A>G, p.Ile1748Val (NM_001008844.3); c.5710A>G, p.Ile1904Val (NM_001319034.2); c.7039A>G (NM_004415.3); short protein forms I2347V, I1748V, I1904V.
Identifiers: ClinVar variation 402804 (VCV000402804.20), dbSNP rs768837509, ClinGen allele CA049017.

ClinVar aggregate classification (germline): Conflicting classifications of pathogenicity. Review status: criteria provided, conflicting classifications (1 of 4 stars). 7 submissions from 7 submitters: Uncertain significance (6); Likely benign (1). Last evaluated 2026-01-30.

Conditions:
Keratosis palmoplantaris striata 2. Also called: KERATODERMA, PALMOPLANTAR, STRIATE FORM II; STRIATE PALMOPLANTAR KERATODERMA II; Keratosis palmoplantaris striata II. Identifiers: MedGen C1852127, MONDO:0013034, OMIM 612908.
Arrhythmogenic right ventricular dysplasia 8 (ARVD8). Also called: ARRHYTHMOGENIC RIGHT VENTRICULAR DYSPLASIA, FAMILIAL, 8; ARRHYTHMOGENIC RIGHT VENTRICULAR CARDIOMYOPATHY 8; Arrhythmogenic Right Ventricular Dysplasia/Cardiomyopathy 8. Identifiers: MedGen C1843896, MONDO:0011831, OMIM 607450.
Lethal acantholytic epidermolysis bullosa (EBLA). Identifiers: Orphanet 158687, MedGen C1864826, MONDO:0012323, OMIM 609638.
Cardiomyopathy, dilated, with wooly hair, keratoderma, and tooth agenesis. Also called: Cardiomyopathy, dilated, with woolly hair, keratoderma, and tooth agenesis; Erythrokeratodermia-cardiomyopathy syndrome. Identifiers: Orphanet 476096, Orphanet 65282, MedGen C4014393, MONDO:0014355, OMIM 615821.
Arrhythmogenic cardiomyopathy with wooly hair and keratoderma. Also called: PALMOPLANTAR KERATODERMA WITH LEFT VENTRICULAR CARDIOMYOPATHY AND WOOLLY HAIR; Carvajal syndrome; Arrhythmogenic cardiomyopathy with woolly hair and keratoderma; Dilated cardiomyopathy with woolly hair and keratoderma. Identifiers: Orphanet 65282, MedGen C1854063, MONDO:0011581, OMIM 605676.
DSP-related disorder. Also called: DSP-related disorders; DSP-related condition.
Cardiovascular phenotype. Identifiers: MedGen CN230736.
Cardiomyopathy (CMYO). Also called: Cardiomyopathies. Identifiers: Orphanet 167848, MedGen C0878544, MONDO:0004994, HP:0001638. Inheritance: Various modes of inheritance.

Allele frequency attached by ClinVar (database versions not stated): gnomAD 0.00002 and 0.00003.
gnomAD v4.1: 26 of 1,614,082 alleles (0.0016%); highest among the groups gnomAD compares: Middle Eastern, 0.016%; no homozygotes.

Submissions (7):

Ambry Genetics
Classification: Uncertain significance for Cardiovascular phenotype. Last evaluated: 2026-01-30. Review status: criteria provided, single submitter. Criteria: Ambry Variant Classification Scheme 2023. Collection method: clinical testing. Allele origin: germline.
Comment: The p.I2347V variant (also known as c.7039A>G), located in coding exon 24 of the DSP gene, results from an A to G substitution at nucleotide position 7039. The isoleucine at codon 2347 is replaced by valine, an amino acid with highly similar properties. This variant was reported in individual(s) with features consistent with DSP-related cardiomyopathy (Rigato I et al. Circ Cardiovasc Genet, 2013 Dec;6:533-42). This amino acid position is well conserved in available vertebrate species. In addition, this alteration is predicted to be tolerated by in silico analysis. Based on the available evidence, the clinical significance of this variant remains unclear.

PreventionGenetics, part of Exact Sciences
Classification: Uncertain significance for DSP-related condition. Last evaluated: 2025-10-29. Review status: criteria provided, single submitter. Criteria: ACMG Guidelines, 2015. Collection method: clinical testing. Allele origin: germline.
Comment: The DSP c.7039A>G variant is predicted to result in the amino acid substitution p.Ile2347Val. This variant has been reported in an individual with arrhythmogenic right ventricular cardiomyopathy, who also carried an additional DSP variant (Rigato et al., 2013; PubMed ID: 24070718). This variant is reported in 0.0099% of alleles in individuals of Ashkenazi Jewish descent in gnomAD. At this time, the clinical significance of this variant is uncertain due to the absence of conclusive functional and genetic evidence.

Labcorp Genetics (formerly Invitae), Labcorp
Classification: Likely benign for Arrhythmogenic cardiomyopathy with wooly hair and keratoderma; Arrhythmogenic right ventricular dysplasia 8. Last evaluated: 2025-07-22. Review status: criteria provided, single submitter. Criteria: Invitae Variant Classification Sherloc (09022015). Collection method: clinical testing. Allele origin: germline.

All of Us Research Program, National Institutes of Health
Classification: Uncertain significance for Arrhythmogenic cardiomyopathy with wooly hair and keratoderma. Last evaluated: 2024-07-29. Review status: criteria provided, single submitter. Criteria: ACMG Guidelines, 2015. Collection method: clinical testing. Allele origin: germline. Inheritance: Autosomal dominant inheritance. Observed: 5 variant alleles, 5 heterozygotes.
Comment: This missense variant replaces isoleucine with valine at codon 2347 of the DSP protein. Computational prediction is inconclusive regarding the impact of this variant on protein structure and function (internally defined REVEL score threshold 0.5 < inconclusive < 0.7, PMID: 27666373). To our knowledge, functional studies have not been reported for this variant. This variant has been reported in an individual affected with arrhythmogenic right ventricular cardiomyopathy (PMID: 24070718). This variant has been identified in 3/251408 chromosomes in the general population by the Genome Aggregation Database (gnomAD). The available evidence is insufficient to determine the role of this variant in disease conclusively. Therefore, this variant is classified as a Variant of Uncertain Significance.

This study involves interpretation of variants in research participants for the purpose of population health screening. Participant phenotype was not available at the time of variant classification. Additional details can be found in publication PMID: 35346344, PMCID: PMC8962531

Color Diagnostics, LLC DBA Color Health
Classification: Uncertain significance for Cardiomyopathy. Last evaluated: 2024-07-10. Review status: criteria provided, single submitter. Criteria: ACMG Guidelines, 2015. Collection method: clinical testing. Allele origin: germline.
Comment: This missense variant replaces isoleucine with valine at codon 2347 of the DSP protein. Computational prediction is inconclusive regarding the impact of this variant on protein structure and function (internally defined REVEL score threshold 0.5 < inconclusive < 0.7, PMID: 27666373). To our knowledge, functional studies have not been reported for this variant. This variant has been reported in an individual affected with arrhythmogenic right ventricular cardiomyopathy (PMID: 24070718). This variant has been identified in 3/251408 chromosomes in the general population by the Genome Aggregation Database (gnomAD). The available evidence is insufficient to determine the role of this variant in disease conclusively. Therefore, this variant is classified as a Variant of Uncertain Significance.

Fulgent Genetics
Classification: Uncertain significance for Arrhythmogenic cardiomyopathy with wooly hair and keratoderma; Arrhythmogenic right ventricular dysplasia 8; Lethal acantholytic epidermolysis bullosa; Keratosis palmoplantaris striata 2; Cardiomyopathy, dilated, with wooly hair, keratoderma, and tooth agenesis. Last evaluated: 2024-06-05. Review status: criteria provided, single submitter. Criteria: ACMG Guidelines, 2015. Collection method: clinical testing. Allele origin: germline.

Laboratory for Molecular Medicine, Mass General Brigham Personalized Medicine
Classification: Uncertain significance. Last evaluated: 2016-10-20. Review status: criteria provided, single submitter. Criteria: LMM Criteria. Collection method: clinical testing. Allele origin: germline.
Comment: Variant identified in a genome or exome case(s) and assessed due to predicted null impact of the variant or pathogenic assertions in the literature or databases. Disclaimer: This variant has not undergone full assessment. The following are preliminary notes: Reported in 1 ARVC proband (PMIDs 24070718 and 26138720), no segregation info

Literature cited by the submitters: PubMed 24070718 (cited by 3 submitters).